The following is an entry in ClinVar:

NM_000079.4(CHRNA1):c.1079del (p.Lys360fs)

Gene: CHRNA1 (cholinergic receptor nicotinic alpha 1 subunit; minus strand). Cytogenetic location: 2q31.1.
Variant type: Deletion.
Coding change: c.1079del on transcript NM_000079.4 (MANE Select); coding-DNA position 1079, one base deleted (A; older notation c.1079delA).
Protein change: p.Lys360fs; shifts the reading frame from lysine 360.
Molecular consequence: frameshift variant.
Genome position (GRCh38, 1-based): chr2:174,748,743, T deleted on the plus strand (A on the coding strand, the reverse complement: CHRNA1 is on the minus strand); the first of 5 consecutive T bases (chr2:174,748,743-174,748,747); deleting any one gives the same sequence. VCF-style (leftmost placement, unchanged base first): chr2-174748742-CT-C. GRCh37 (hg19) VCF-style: chr2-175613470-CT-C.
Other names: c.1154del, p.Lys385fs (NM_001039523.3); short protein forms K360fs, K385fs.
Identifiers: ClinVar variation 2739921 (VCV002739921.3), dbSNP rs768863116, ClinGen allele CA60847415.
Genomic context (GRCh38, chr2:174,748,742, plus strand): 5'-CATGGGTGGAGGCCCTGGCTTTCCAGAAATGTCAGAGATATCAATGTCTTCTGTAAAAAT[CT>C]TTTTGTCTTGCTTTTCTCTGGATGGTCTTTTCATTGTGGAGAAAAACATGATATTTGGGA-3'

ClinVar aggregate classification (germline): Pathogenic (1 of 4 stars; one submission).

Conditions:
Lethal multiple pterygium syndrome (LMPS). Identifiers: Orphanet 33108, MedGen C1854678, MONDO:0009668, OMIM 253290.

Submission:

Labcorp Genetics (formerly Invitae), Labcorp
Classification: Pathogenic for Lethal multiple pterygium syndrome. Last evaluated: 2023-08-16. Review status: criteria provided, single submitter. Criteria: Invitae Variant Classification Sherloc (09022015). Collection method: clinical testing. Allele origin: germline.
Comment: This sequence change creates a premature translational stop signal (p.Lys360Argfs*27) in the CHRNA1 gene. It is expected to result in an absent or disrupted protein product. Loss-of-function variants in CHRNA1 are known to be pathogenic (PMID: 14719537, 15907919, 18252226). This variant is present in population databases (rs768863116, gnomAD 0.0009%). This variant has not been reported in the literature in individuals affected with CHRNA1-related conditions. For these reasons, this variant has been classified as Pathogenic.

Literature cited by the submitters: PubMed 14719537; PubMed 15907919; PubMed 18252226.